The following is an entry in ClinVar:

ClinVar aggregate classification (germline): Likely benign. Review status: criteria provided, multiple submitters, no conflicts (2 of 4 stars). 2 submissions from 2 submitters: Likely benign (2). Last evaluated 2026-01-01.

Conditions:
Inborn genetic diseases. Identifiers: MedGen C0950123, MeSH D030342.

Allele frequency attached by ClinVar (database versions not stated): gnomAD exomes 0.00002; ExAC 0.00003; gnomAD 0.00004; TOPMed 0.00004.
gnomAD v4.1: 34 of 1,612,300 alleles (0.0021%); highest among the groups gnomAD compares: African/African-American, 0.0053%; no homozygotes.

Submissions (2):

CeGaT Center for Human Genetics Tuebingen
Classification: Likely benign. Last evaluated: 2026-01-01. Review status: criteria provided, single submitter. Criteria: CeGaT Center For Human Genetics Tuebingen Variant Classification Criteria Version 2. Collection method: clinical testing. Allele origin: germline. Affected: yes. Observed: 1 variant allele.
Comment: LRRK2: BP4, BP7

Ambry Genetics
Classification: Likely benign for Inborn genetic diseases. Last evaluated: 2022-03-02. Review status: criteria provided, single submitter. Criteria: Ambry Variant Classification Scheme 2023. Collection method: clinical testing. Allele origin: germline.

NM_198578.4(LRRK2):c.633G>A (p.Ala211=)

Gene: LRRK2 (leucine rich repeat kinase 2; plus strand). Cytogenetic location: 12q12.
Variant type: single nucleotide variant.
Coding change: c.633G>A on transcript NM_198578.4 (MANE Select); coding-DNA position 633, G replaced by A.
Protein change: p.Ala211=; no amino-acid change (alanine 211 retained).
Molecular consequence: synonymous variant.
Genome position (GRCh38, 1-based): chr12:40,240,544, G>A. VCF-style: chr12-40240544-G-A. GRCh37 (hg19) VCF-style: chr12-40634346-G-A.
Identifiers: ClinVar variation 1752951 (VCV001752951.6), dbSNP rs199915040, ClinGen allele CA6513148.
Genomic context (GRCh38, chr12:40,240,544, plus strand): 5'-CTCAGAGGAGCAACTGACTGAATTTGTTGAGAACAAAGATTATATGATATTGTTAAGTGC[G>A]TTAACAAATTTTAAAGATGAAGAGGAAATTGTGCTTCATGTGCTGCATTGTTTACATTCC-3'
Protein context (NP_940980.4, residues 201-221): ENKDYMILLS[Ala211=]LTNFKDEEEI